The following is an entry in ClinVar:

NM_000540.3(RYR1):c.697T>A (p.Ser233Thr)

Gene: RYR1 (ryanodine receptor 1; plus strand). Cytogenetic location: 19q13.2.
Variant type: single nucleotide variant.
Coding change: c.697T>A on transcript NM_000540.3 (MANE Select); coding-DNA position 697, T replaced by A.
Protein change: p.Ser233Thr; replaces serine 233 with threonine.
Molecular consequence: missense variant.
Genome position (GRCh38, 1-based): chr19:38,446,537, T>A. VCF-style: chr19-38446537-T-A. GRCh37 (hg19) VCF-style: chr19-38937177-T-A.
Other names: c.697T>A, p.Ser233Thr (NM_001042723.2); short protein forms S233T.
Identifiers: ClinVar variation 4854670 (VCV004854670.1).

ClinVar aggregate classification (germline): Uncertain significance (1 of 4 stars; one submission).

Conditions:
King Denborough syndrome (KDS). Identifiers: MedGen C1840365, MONDO:0020485, OMIM 619542.

Submission:

3billion
Classification: Uncertain significance for King Denborough syndrome. Last evaluated: 2025-10-01. Review status: criteria provided, single submitter. Criteria: ACMG Guidelines, 2015. Collection method: clinical testing. Allele origin: germline. Affected: yes.
Comment: The variant is not observed in the gnomAD v4.1.0 dataset. Predicted Consequence/Location: Missense variant In silico tool predictions suggest damaging effect of the variant on gene or gene product [3Cnet: 0.97 (> 0.75, sensitivity 0.96 and precision 0.92)]. Therefore, this variant is classified as VUS according to the recommendation of ACMG/AMP guideline.